The following is an entry in ClinVar:

NM_002024.6(FMR1):c.210_211dup (p.Ala71fs)

Gene: FMR1 (fragile X messenger ribonucleoprotein 1; plus strand). Cytogenetic location: Xq27.3.
Variant type: Microsatellite.
Coding change: c.210_211dup on transcript NM_002024.6 (MANE Select); coding-DNA positions 210 to 211, 2 bases duplicated (AG; older notation c.210_211dupAG).
Protein change: p.Ala71fs; shifts the reading frame from alanine 71.
Molecular consequence: frameshift variant. On other transcripts: non-coding transcript variant (2).
Genome position (GRCh38, 1-based): chrX:147,928,333-147,928,334, AG duplicated; duplicating any 2 consecutive bases within chrX:147,928,331-147,928,334 gives the same sequence; the c. name uses the placement nearest the transcript's 3' end. VCF-style (leftmost placement, unchanged base first): chrX-147928330-C-CAG. GRCh37 (hg19) VCF-style: chrX-147009848-C-CAG.
Other names: c.210_211dup, p.Ala71fs (NM_001185075.2, NM_001185076.2, NM_001185081.2 and 1 more transcripts); short protein forms A71fs.
Identifiers: ClinVar variation 3359088 (VCV003359088.2).

ClinVar aggregate classification (germline): Pathogenic (1 of 4 stars; one submission).

Conditions:
Fragile X syndrome. Also called: Fragile X Syndrome (FXS); Fragile X syndrome, type A; MARKER X SYNDROME; MARTIN-BELL SYNDROME; MENTAL RETARDATION, X-LINKED, ASSOCIATED WITH marXq28; X-LINKED MENTAL RETARDATION AND MACROORCHIDISM. Identifiers: Orphanet 449291, Orphanet 908, MedGen C0016667, MONDO:0010383, OMIM 300624. Disease mechanism: loss of function.

Submission:

Institute of Human Genetics, University of Leipzig Medical Center
Classification: Pathogenic for Fragile X syndrome. Last evaluated: 2024-09-24. Review status: criteria provided, single submitter. Criteria: ACMG Guidelines, 2015. Collection method: clinical testing. Allele origin: unknown. Inheritance: X-linked dominant inheritance. Affected: yes.
Comment: Criteria applied: PVS1,PM2